The following is an entry in ClinVar:

NM_000083.3(CLCN1):c.2831dup (p.Gly945fs)

Gene: CLCN1 (chloride voltage-gated channel 1; plus strand). Cytogenetic location: 7q34.
Variant type: Duplication.
Coding change: c.2831dup on transcript NM_000083.3 (MANE Select); coding-DNA position 2831, one base duplicated (C; older notation c.2831dupC).
Protein change: p.Gly945fs; shifts the reading frame from glycine 945.
Molecular consequence: frameshift variant. On other transcripts: non-coding transcript variant (1).
Genome position (GRCh38, 1-based): chr7:143,351,829, C duplicated; the last of 4 consecutive C bases (chr7:143,351,826-143,351,829); duplicating any one gives the same sequence. VCF-style (leftmost placement, unchanged base first): chr7-143351825-G-GC. GRCh37 (hg19) VCF-style: chr7-143048918-G-GC.
Other names: c.2831dupC (NM_000083.2); short protein forms G945fs.
Identifiers: ClinVar variation 280103 (VCV000280103.20), dbSNP rs755176513, ClinGen allele CA4537794.

ClinVar aggregate classification (germline): Conflicting classifications of pathogenicity. Review status: criteria provided, conflicting classifications (1 of 4 stars). 8 submissions from 8 submitters: Pathogenic (3); Likely pathogenic (4); Uncertain significance (1). Last evaluated 2026-07-16.

Conditions:
Skeletal muscle channelopathy.
CLCN1-related disorder. Also called: CLCN1-related condition.
Congenital myotonia, autosomal dominant form (THD). Also called: THOMSEN DISEASE; Myotonia congenita autosomal dominant. Identifiers: Orphanet 614, MedGen C2936781, MONDO:0008055, OMIM 160800.
Congenital myotonia, autosomal recessive form. Also called: BECKER DISEASE; Becker Generalized Myotonia; myotonia congenita, autosomal recessive. Identifiers: Orphanet 614, MedGen C0751360, MONDO:0009715, OMIM 255700.

Submissions (8):

PreventionGenetics, part of Exact Sciences
Classification: Likely pathogenic for CLCN1-related condition. Last evaluated: 2026-07-16. Review status: criteria provided, single submitter. Criteria: ACMG Guidelines, 2015. Collection method: clinical testing. Allele origin: germline.
Comment: The CLCN1 c.2831dupC variant is predicted to result in a frameshift and premature protein termination (p.Gly945Argfs*39). This variant occurs in the final exon of the gene and and likely does not undergo non-sense mediated decay. This variant has been reported with a second CLCN1 variant in an individual with myotonia (reported as 2828insC, Dupré et al. 2009. PubMed ID: 18337100) and in the heterozygous state in an individual with episodic ataxia (Maksemous et al. 2020. PubMed ID: 32466254). This variant is reported in 0.0035% of alleles in individuals of European (non-Finnish) descent in gnomAD. Frameshift variants in CLCN1 are expected to be pathogenic. This variant is interpreted as likely pathogenic- for autosomal recessive disorders.

Labcorp Genetics (formerly Invitae), Labcorp
Classification: Pathogenic for Congenital myotonia, autosomal recessive form; Congenital myotonia, autosomal dominant form. Last evaluated: 2026-01-26. Review status: criteria provided, single submitter. Criteria: Invitae Variant Classification Sherloc (09022015). Collection method: clinical testing. Allele origin: germline.
Comment: This sequence change creates a premature translational stop signal (p.Gly945Argfs*39) in the CLCN1 gene. While this is not anticipated to result in nonsense mediated decay, it is expected to disrupt the last 44 amino acid(s) of the CLCN1 protein. This variant is present in population databases (rs755176513, gnomAD 0.004%). This premature translational stop signal has been observed in individual(s) with autosomal recessive myotonia congenita (PMID: 18337100; internal data). In at least one individual the data is consistent with being in trans (on the opposite chromosome) from a pathogenic variant. This variant is also known as c.2828insC. ClinVar contains an entry for this variant (Variation ID: 280103). For these reasons, this variant has been classified as Pathogenic.

Genetics Laboratory, Great Ormond Street Hospital NHS Foundation Trust, North Thames Genomic Laboratory Hub
Classification: Pathogenic for Skeletal muscle channelopathy. Last evaluated: 2025-12-05. Review status: criteria provided, single submitter. Criteria: ACGS Best Practice Guidelines for Variant Classification in Rare Disease 2024 v1.2. Collection method: clinical testing. Allele origin: germline. Affected: yes.
Comment: PM2_moderate, PVS1_moderate, PP1_supporting, PM3_very-strong, PP4_supporting

GeneDx
Classification: Likely pathogenic. Last evaluated: 2025-03-06. Review status: criteria provided, single submitter. Criteria: GeneDx Variant Classification Process June 2021. Collection method: clinical testing. Allele origin: germline. Affected: yes.
Comment: Reported previously in the heterozygous state in a patient with severe ataxia, nausea, vomiting, and nystagmus; however, patient also harbored a variant of uncertain significance in another gene that could possibly be contributing to the phenotype (PMID: 32466254); Frameshift variant predicted to result in abnormal protein length as the last 44 amino acid(s) are replaced with 38 different amino acid(s), and other similar variants have been reported in HGMD; Not observed at significant frequency in large population cohorts (gnomAD); This variant is associated with the following publications: (PMID: 32466254, 18337100)

Fulgent Genetics
Classification: Likely pathogenic for Congenital myotonia, autosomal dominant form; Congenital myotonia, autosomal recessive form. Last evaluated: 2024-06-15. Review status: criteria provided, single submitter. Criteria: ACMG Guidelines, 2015. Collection method: clinical testing. Allele origin: germline.

Blueprint Genetics
Classification: Uncertain significance. Last evaluated: 2023-09-07. Review status: criteria provided, single submitter. Criteria: ACMG Guidelines, 2015. Collection method: clinical testing. Allele origin: germline.

Revvity Omics, Revvity
Classification: Likely pathogenic. Last evaluated: 2022-09-27. Review status: criteria provided, single submitter. Criteria: ACMG Guidelines, 2015. Collection method: clinical testing. Allele origin: germline.

Athena Diagnostics
Classification: Pathogenic. Last evaluated: 2022-06-09. Review status: criteria provided, single submitter. Criteria: Athena Diagnostics Criteria. Collection method: clinical testing. Allele origin: unknown.
Comment: The frequency of this variant in the general population is consistent with pathogenicity. This variant is expected to result in a shift of the reading frame and a premature stop codon. Since this variant is located in the last exon of the gene, variant-containing transcripts likely escape nonsense-mediated decay. This variant has been reported in multiple families with autosomal recessive myotonia congenita in published literature and internal data (PMID: 18337100, Athena Diagnostics internal data). This variant is also referred to as 2828insC in published literature.

Literature cited by the submitters: PubMed 18337100 (cited by Labcorp Genetics (formerly Invitae), Labcorp and Athena Diagnostics); PubMed 32466254 (cited by Athena Diagnostics).